The following is an entry in ClinVar:

NM_001009944.3(PKD1):c.4997G>C (p.Trp1666Ser)

Gene: PKD1 (polycystin 1, transient receptor potential channel interacting; minus strand). Cytogenetic location: 16p13.3.
Variant type: single nucleotide variant.
Coding change: c.4997G>C on transcript NM_001009944.3 (MANE Select); coding-DNA position 4997, G replaced by C.
Protein change: p.Trp1666Ser; replaces tryptophan 1666 with serine.
Molecular consequence: missense variant.
Genome position (GRCh38, 1-based): chr16:2,110,170, C>G on the plus strand (G>C on the coding strand, the complement: PKD1 is on the minus strand). VCF-style: chr16-2110170-C-G. GRCh37 (hg19) VCF-style: chr16-2160171-C-G.
Other names: c.4997G>C, p.Trp1666Ser (NM_000296.4); short protein forms W1666S.
Identifiers: ClinVar variation 2507274 (VCV002507274.1), dbSNP rs2544816405, ClinGen allele CA394378598.

ClinVar aggregate classification (germline): Uncertain significance (1 of 4 stars; one submission).

Allele frequency attached by ClinVar (database versions not stated): gnomAD exomes below 0.00001.
gnomAD v4.1: 1 of 1,610,796 alleles (0.000062%); highest among the groups gnomAD compares: Non-Finnish European, 0.000085%; no homozygotes.

Submission:

GeneDx
Classification: Uncertain significance. Last evaluated: 2022-12-28. Review status: criteria provided, single submitter. Criteria: GeneDx Variant Classification Process June 2021. Collection method: clinical testing. Allele origin: germline. Affected: yes.
Comment: Not observed at significant frequency in large population cohorts (gnomAD); In silico analysis supports that this missense variant has a deleterious effect on protein structure/function; This variant is associated with the following publications: (PMID: 31740684)